The following is an entry in ClinVar:

ClinVar aggregate classification (germline): Uncertain significance. Review status: criteria provided, multiple submitters, no conflicts (2 of 4 stars). 2 submissions from 2 submitters: Uncertain significance (2). Last evaluated 2024-05-24.

Conditions:
Dyskeratosis congenita. Identifiers: Orphanet 1775, MedGen C0265965, MONDO:0015780.

gnomAD v4.1: 7 of 1,602,998 alleles (0.00044%); highest among the groups gnomAD compares: Non-Finnish European, 0.00051%; no homozygotes.

Submissions (2):

Blueprint Genetics
Classification: Uncertain significance. Last evaluated: 2024-05-24. Review status: criteria provided, single submitter. Criteria: ACMG Guidelines, 2015. Collection method: clinical testing. Allele origin: germline.

Labcorp Genetics (formerly Invitae), Labcorp
Classification: Uncertain significance for Dyskeratosis congenita. Last evaluated: 2021-12-21. Review status: criteria provided, single submitter. Criteria: Invitae Variant Classification Sherloc (09022015). Collection method: clinical testing. Allele origin: germline.
Comment: In summary, the available evidence is currently insufficient to determine the role of this variant in disease. Therefore, it has been classified as a Variant of Uncertain Significance. Algorithms developed to predict the effect of missense changes on protein structure and function are either unavailable or do not agree on the potential impact of this missense change (SIFT: "Deleterious"; PolyPhen-2: "Possibly Damaging"; Align-GVGD: "Class C0"). This variant has not been reported in the literature in individuals affected with CTC1-related conditions. This variant is not present in population databases (gnomAD no frequency). This sequence change replaces isoleucine, which is neutral and non-polar, with threonine, which is neutral and polar, at codon 147 of the CTC1 protein (p.Ile147Thr).

NM_025099.6(CTC1):c.440T>C (p.Ile147Thr)

Gene: CTC1 (CST telomere replication complex component 1; minus strand). Cytogenetic location: 17p13.1.
Variant type: single nucleotide variant.
Coding change: c.440T>C on transcript NM_025099.6 (MANE Select); coding-DNA position 440, T replaced by C.
Protein change: p.Ile147Thr; replaces isoleucine 147 with threonine.
Molecular consequence: missense variant. On other transcripts: non-coding transcript variant (1).
Genome position (GRCh38, 1-based): chr17:8,238,238, A>G on the plus strand (T>C on the coding strand, the complement: CTC1 is on the minus strand). VCF-style: chr17-8238238-A-G. GRCh37 (hg19) VCF-style: chr17-8141556-A-G.
Other names: c.440T>C, p.Ile147Thr (NM_001411067.1); short protein forms I147T.
Identifiers: ClinVar variation 2148523 (VCV002148523.5), dbSNP rs1987916042, ClinGen allele CA397992933.
Genomic context (GRCh38, chr17:8,238,238, plus strand): 5'-GGGAGGTAACTCCAACGGGGGAACAGAAAAAGATGGCCCAACCAAGAAAGGTCCAGGTCT[A>G]TGAGCTAAGAAAGACCAAGAGCAAGGGTTAATCAGAACCTTAGCATCCTATCCACCCACC-3'
Protein context (NP_079375.3, residues 137-157): DNTGVLSCEL[Ile147Thr]DLDLSWLGHL